The following is an entry in ClinVar:

ClinVar aggregate classification (germline): Pathogenic (0 of 4 stars; one submission).

Conditions:
Steinert myotonic dystrophy syndrome (DM1). Also called: STEINERT DISEASE; Myotonic dystrophy type 1; Dystrophia myotonica type 1; Steinert myotonic dystrophy; Steinert's disease. Identifiers: Orphanet 273, MedGen C3250443, MONDO:0008056, OMIM 160900.

Submission:

Institute of Molecular, Cell and Systems Biology, University of Glasgow
Classification: Pathogenic for Steinert myotonic dystrophy syndrome. Review status: no assertion criteria provided. Criteria: research. Collection method: research. Allele origin: germline. Inheritance: Autosomal dominant inheritance. Affected: no. Observed: 1 heterozygote.
Comment: DMPK CTG repeat expansions greater than approximately 45-50 repeats are assumed to be pathogenic

This record is based on data published in PubMed 25052313, which reports only ClinVar accessions SCV000120188 and SCV000120189. The complete data set includes SCV000207445 - SCV000207579.

Literature cited by the submitters: PubMed 1346923; PubMed 1546326; PubMed 25052313.

NM_004409.5(DMPK):c.*224CTG[216]

Genes: DM1-AS (DM1 locus antisense RNA; plus strand), DMPK (DM1 protein kinase; minus strand), LOC107075317 (origin of replication in DMPK trinucleotide repeat region; plus strand), LOC109461477 (dystrophia myotonica protein kinase repeat instability region; plus strand). Cytogenetic location: 19q13.32.
Variant type: Microsatellite.
Coding change: c.*224CTG[216] on transcript NM_004409.5 (MANE Select); 216 copies in a row of the 3-base unit CTG starting at c.*224.
Molecular consequence: 3 prime UTR variant.
Genome position: GRCh38, VCF-style position (the base before the change): chr19:45,770,204. GRCh37 (hg19), VCF-style position (the base before the change): chr19:46,273,462.
Other names: DM1 CTG repeat expansion; c.*224CTG[216] (NM_001081560.3, NM_001288764.2, NM_001424165.1 and 1 more transcripts); c.*217CTG[216] (NM_001081562.3, NM_001288765.2, NM_001424162.1 and 2 more transcripts); c.*222_*224TGC[216] (NM_001081563.3); c.*369CTG[216] (NM_001288766.2, NM_001424164.1, NM_001424168.1).
Identifiers: ClinVar variation 187938 (VCV000187938.1), ClinGen allele CA915951735.